The following is an entry in ClinVar:

NM_000719.7(CACNA1C):c.5445-511=

Genes: CACNA1C (calcium voltage-gated channel subunit alpha1 C; plus strand), CACNA1C-AS1 (CACNA1C antisense RNA 1; minus strand). Cytogenetic location: 12p13.33.
Variant type: single nucleotide variant.
Coding change: c.5445-511= on transcript NM_000719.7 (MANE Select); 511 bases into the intron before coding-DNA position 5445, no change from the reference sequence.
Molecular consequence: intron variant. On other transcripts: no sequence alteration (3).
Genome position: GRCh38 VCF-style: chr12-2682039-G-G. GRCh37 (hg19) VCF-style: chr12-2791205-A-G.
Other names: p.K1845R:AAA>AGA; c.5534=, p.Arg1845= (NM_001129830.3, NM_001167624.3); c.5678=, p.Arg1893= (NM_199460.4); c.5445-511= (NM_001167623.2, NM_001129840.2, NM_001129842.2 and 2 more transcripts); c.5625-511= (NM_001167625.2); c.5589-511= (NM_001129827.2); c.5505-511= (NM_001129832.2); c.5529-511= (NM_001129831.2); and 7 more.
Identifiers: ClinVar variation 136640 (VCV000136640.9), dbSNP rs10774054.

ClinVar aggregate classification (germline): Benign. Review status: criteria provided, multiple submitters, no conflicts (2 of 4 stars). 8 submissions from 8 submitters: Benign (6). 2 of the submissions do not count toward it. Last evaluated 2025-07-17.

Conditions:
Long QT syndrome (LQTS). Identifiers: MedGen C0023976, MeSH D008133, MONDO:0002442. Disease mechanism: loss of function. Inheritance: Various modes of inheritance.
Timothy syndrome (TS). Also called: LONG QT SYNDROME WITH SYNDACTYLY. Identifiers: Orphanet 65283, MedGen C1832916, MeSH C536962, MONDO:0010979, OMIM 601005.

Allele frequency attached by ClinVar (database versions not stated): gnomAD 0.99951 and 0.99960; TOPMed 0.99955.

Submissions (8):

Labcorp Genetics (formerly Invitae), Labcorp
Classification: Benign for Long QT syndrome. Last evaluated: 2025-07-17. Review status: criteria provided, single submitter. Criteria: Invitae Variant Classification Sherloc (09022015). Collection method: clinical testing. Allele origin: germline.

Blueprint Genetics
Classification: Benign. Last evaluated: 2024-11-27. Review status: criteria provided, single submitter. Criteria: ACMG Guidelines, 2015. Collection method: clinical testing. Allele origin: germline.

Genome-Nilou Lab
Classification: Benign for Timothy syndrome. Last evaluated: 2021-07-14. Review status: criteria provided, single submitter. Criteria: ACMG Guidelines, 2015. Collection method: clinical testing. Allele origin: germline. Affected: no.

Biesecker Lab/Clinical Genomics Section, National Institutes of Health
Classification: Benign. Last evaluated: 2013-06-24. Review status: criteria provided, single submitter. Criteria: Ng et al. (Circ Cardiovasc Genet. 2013). Collection method: research. Allele origin: unknown. Observed: 465 variant alleles. Study: ClinSeq.
Comment: The study set was not selected for affection status in relation to any cancer. Pathogenicity categories were based on literature curation. See Pubmed ID:23861362 for details.

Medical sequencing

GeneDx
Classification: Benign. Last evaluated: 2011-07-14. Review status: criteria provided, single submitter. Criteria: GeneDx Variant Classification (06012015). Collection method: clinical testing. Allele origin: germline. Affected: yes.
Comment: This variant is considered likely benign or benign based on one or more of the following criteria: it is a conservative change, it occurs at a poorly conserved position in the protein, it is predicted to be benign by multiple in silico algorithms, and/or has population frequency not consistent with disease.

Breakthrough Genomics
Classification: Benign. Review status: criteria provided, single submitter. Criteria: ACMG Guidelines, 2015. Collection method: not provided. Allele origin: germline. Inheritance: Autosomal dominant inheritance. Affected: yes.

Clinical Genetics, Academic Medical Center
Classification: Likely benign. Review status: no assertion criteria provided. Collection method: clinical testing. Allele origin: germline. Affected: yes. Study: VKGL Data-share Consensus. Not counted in ClinVar's aggregate classification.

Diagnostic Laboratory, Department of Genetics, University Medical Center Groningen
Classification: Benign. Review status: no assertion criteria provided. Collection method: clinical testing. Allele origin: germline. Affected: yes. Study: VKGL Data-share Consensus. Not counted in ClinVar's aggregate classification.